The following is an entry in ClinVar:

ClinVar aggregate classification (germline): Uncertain significance. Review status: criteria provided, multiple submitters, no conflicts (2 of 4 stars). 3 submissions from 3 submitters: Uncertain significance (3). Last evaluated 2025-09-10.

Conditions:
Inborn genetic diseases. Identifiers: MedGen C0950123, MeSH D030342.

Allele frequency attached by ClinVar (database versions not stated): TOPMed 0.00002; gnomAD 0.00003 and 0.00002; gnomAD exomes below 0.00001; 1000 Genomes Project 0.00020; ExAC 0.00002; 1000 Genomes Project 30x 0.00016.

Submissions (3):

Labcorp Genetics (formerly Invitae), Labcorp
Classification: Uncertain significance. Last evaluated: 2025-09-10. Review status: criteria provided, single submitter. Criteria: Invitae Variant Classification Sherloc (09022015). Collection method: clinical testing. Allele origin: germline.
Comment: This sequence change replaces valine, which is neutral and non-polar, with phenylalanine, which is neutral and non-polar, at codon 706 of the SAMD9 protein (p.Val706Phe). This variant is present in population databases (rs532883519, gnomAD 0.003%). This variant has not been reported in the literature in individuals affected with SAMD9-related conditions. ClinVar contains an entry for this variant (Variation ID: 1337015). Invitae Evidence Modeling of protein sequence and biophysical properties (such as structural, functional, and spatial information, amino acid conservation, physicochemical variation, residue mobility, and thermodynamic stability) has been performed for this missense variant. However, the output from this modeling did not meet the statistical confidence thresholds required to predict the impact of this variant on SAMD9 protein function. In summary, the available evidence is currently insufficient to determine the role of this variant in disease. Therefore, it has been classified as a Variant of Uncertain Significance.

Ambry Genetics
Classification: Uncertain significance for Inborn genetic diseases. Last evaluated: 2025-08-06. Review status: criteria provided, single submitter. Criteria: Ambry Variant Classification Scheme 2023. Collection method: clinical testing. Allele origin: germline.

Genetic Services Laboratory, University of Chicago
Classification: Uncertain significance. Last evaluated: 2019-01-31. Review status: criteria provided, single submitter. Criteria: ACMG Guidelines, 2015. Collection method: clinical testing. Allele origin: germline. Affected: no.

NM_017654.4(SAMD9):c.2116G>T (p.Val706Phe)

Gene: SAMD9 (sterile alpha motif domain containing 9; minus strand). Cytogenetic location: 7q21.2.
Variant type: single nucleotide variant.
Coding change: c.2116G>T on transcript NM_017654.4 (MANE Select); coding-DNA position 2116, G replaced by T.
Protein change: p.Val706Phe; replaces valine 706 with phenylalanine.
Molecular consequence: missense variant.
Genome position (GRCh38, 1-based): chr7:93,103,982, C>A on the plus strand (G>T on the coding strand, the complement: SAMD9 is on the minus strand). VCF-style: chr7-93103982-C-A. GRCh37 (hg19) VCF-style: chr7-92733295-C-A.
Other names: c.2116G>T, p.Val706Phe (NM_001193307.2); short protein forms V706F.
Identifiers: ClinVar variation 1337015 (VCV001337015.8), dbSNP rs532883519, ClinGen allele CA4342889.